The following is an entry in ClinVar:

ClinVar aggregate classification (germline): Uncertain significance (1 of 4 stars; one submission).

Allele frequency attached by ClinVar (database versions not stated): ExAC 0.00002; gnomAD exomes 0.00002; TOPMed 0.00002; gnomAD 0.00003.
gnomAD v4.1: 29 of 1,613,694 alleles (0.0018%); highest among the groups gnomAD compares: Admixed American, 0.005%; no homozygotes.

Submission:

Labcorp Genetics (formerly Invitae), Labcorp
Classification: Uncertain significance. Last evaluated: 2024-10-17. Review status: criteria provided, single submitter. Criteria: Invitae Variant Classification Sherloc (09022015). Collection method: clinical testing. Allele origin: germline.
Comment: This sequence change replaces arginine, which is basic and polar, with cysteine, which is neutral and slightly polar, at codon 384 of the SEPT9 protein (p.Arg384Cys). This variant is present in population databases (rs199903530, gnomAD 0.006%). This variant has not been reported in the literature in individuals affected with SEPT9-related conditions. ClinVar contains an entry for this variant (Variation ID: 1682648). Invitae Evidence Modeling of protein sequence and biophysical properties (such as structural, functional, and spatial information, amino acid conservation, physicochemical variation, residue mobility, and thermodynamic stability) indicates that this missense variant is not expected to disrupt SEPT9 protein function with a negative predictive value of 80%. In summary, the available evidence is currently insufficient to determine the role of this variant in disease. Therefore, it has been classified as a Variant of Uncertain Significance.

NM_001113491.2(SEPTIN9):c.1204C>T (p.Arg402Cys)

Gene: SEPTIN9 (septin 9; plus strand). Cytogenetic location: 17q25.3.
Variant type: single nucleotide variant.
Coding change: c.1204C>T on transcript NM_001113491.2 (MANE Select); coding-DNA position 1204, C replaced by T.
Protein change: p.Arg402Cys; replaces arginine 402 with cysteine.
Molecular consequence: missense variant.
Genome position (GRCh38, 1-based): chr17:77,488,806, C>T. VCF-style: chr17-77488806-C-T. GRCh37 (hg19) VCF-style: chr17-75484888-C-T.
Other names: c.712C>T, p.Arg238Cys (NM_001113492.2, NM_001113494.1); c.1183C>T, p.Arg395Cys (NM_001113493.2); c.451C>T, p.Arg151Cys (NM_001113495.2, NM_001113496.2, NM_001293697.2 and 1 more transcripts); c.1147C>T, p.Arg383Cys (NM_001293695.2); c.532C>T, p.Arg178Cys (NM_001293696.2); c.1150C>T, p.Arg384Cys (NM_006640.5); short protein forms R151C, R178C, R238C, R383C, R384C, R395C, R402C.
Identifiers: ClinVar variation 1682648 (VCV001682648.5), dbSNP rs199903530, ClinGen allele CA8793711.